The following is an entry in ClinVar:

NM_006178.4(NSF):c.1814T>C (p.Ile605Thr)

Genes: LRRC37A2 (leucine rich repeat containing 37 member A2), NSF (N-ethylmaleimide sensitive factor, vesicle fusing ATPase; plus strand). Cytogenetic location: 17q21.31.
Variant type: single nucleotide variant.
Coding change: c.1814T>C on transcript NM_006178.4 (MANE Select); coding-DNA position 1814, T replaced by C.
Protein change: p.Ile605Thr; replaces isoleucine 605 with threonine.
Molecular consequence: missense variant. On other transcripts: non-coding transcript variant (1).
Genome position (GRCh38, 1-based): chr17:46,726,601, T>C. VCF-style: chr17-46726601-T-C. GRCh37 (hg19) VCF-style: chr17-44803967-T-C.
Other names: short protein forms I605T.
Identifiers: ClinVar variation 3339998 (VCV003339998.1).

ClinVar aggregate classification (germline): Uncertain significance (1 of 4 stars; one submission).

gnomAD v4.1: 3 of 1,613,968 alleles (0.00019%); highest among the groups gnomAD compares: Non-Finnish European, 0.00025%; no homozygotes.

Submission:

Women's Health and Genetics/Laboratory Corporation of America, LabCorp
Classification: Uncertain significance. Last evaluated: 2024-06-18. Review status: criteria provided, single submitter. Criteria: LabCorp Variant Classification Summary - May 2015. Collection method: clinical testing. Allele origin: germline.
Comment: Variant summary: NSF c.1814T>C (p.Ile605Thr) results in a non-conservative amino acid change located in the AAA+ ATPase domain (IPR003593) of the encoded protein sequence. Five of five in-silico tools predict a damaging effect of the variant on protein function. The variant allele was found at a frequency of 4e-06 in 249482 control chromosomes. The available data on variant occurrences in the general population are insufficient to allow any conclusion about variant significance. To our knowledge, no occurrence of c.1814T>C in individuals affected with Developmental And Epileptic Encephalopathy 96 and no experimental evidence demonstrating its impact on protein function have been reported. No submitters have cited clinical-significance assessments for this variant to ClinVar. Based on the evidence outlined above, the variant was classified as uncertain significance.